The following is an entry in ClinVar:

ClinVar aggregate classification (germline): Likely pathogenic. Review status: criteria provided, multiple submitters, no conflicts (2 of 4 stars). 3 submissions from 3 submitters: Likely pathogenic (2). 1 of the submissions does not count toward it. Last evaluated 2025-06-04.

Conditions:
Oocyte maturation defect 13 (OZEMA13). Also called: OOCYTE/ZYGOTE/EMBRYO MATURATION ARREST 13. Identifiers: MedGen C5774268, MONDO:0859330, OMIM 620154.

Submissions (3):

Revvity Omics, Revvity
Classification: Likely pathogenic for Oocyte maturation defect 13. Last evaluated: 2025-06-04. Review status: criteria provided, single submitter. Criteria: ACMG Guidelines, 2015. Collection method: clinical testing. Allele origin: germline.

Juno Genomics, Hangzhou Juno Genomics, Inc
Classification: Likely pathogenic for Oocyte maturation defect 13. Review status: criteria provided, single submitter. Criteria: ACMG Guidelines, 2015. Collection method: clinical testing. Allele origin: germline.
Comment: Protein length changes due to in-frame deletions/insertions in a non-repeat region or stop-loss variants.;For recessive disorders, detected in trans with a pathogenic variant.;Patient's phenotype or family history is highly specific for a disease with a single genetic etiology.;Well-established in vitro or in vivo functional studies supportive of a damaging effect on the gene or gene product.

OMIM
Classification: Pathogenic for OOCYTE/ZYGOTE/EMBRYO MATURATION ARREST 13. Last evaluated: 2023-04-10. Review status: no assertion criteria provided. Collection method: literature only. Allele origin: germline. Not counted in ClinVar's aggregate classification.

Literature cited by the submitters: PubMed 34611029 (cited by OMIM).

NM_006887.5(ZFP36L2):c.922_930del (p.Ser308_Ser310del)

Gene: ZFP36L2 (ZFP36 like 2 zinc finger CCCH-type; minus strand). Cytogenetic location: 2p21.
Variant type: Deletion.
Coding change: c.922_930del on transcript NM_006887.5 (MANE Select); coding-DNA positions 922 to 930, 9 bases deleted (TCGGCCTCC; older notation c.922_930delTCGGCCTCC).
Protein change: p.Ser308_Ser310del.
Molecular consequence: inframe deletion.
Genome position (GRCh38, 1-based): chr2:43,224,874-43,224,882, GGAGGCCGA deleted on the plus strand (TCGGCCTCC on the coding strand, the reverse complement: ZFP36L2 is on the minus strand); deleting any 9 consecutive bases within chr2:43,224,874-43,224,885 gives the same sequence; the c. name uses the placement nearest the transcript's 3' end. VCF-style (leftmost placement, unchanged base first): chr2-43224873-CGGAGGCCGA-C. GRCh37 (hg19) VCF-style: chr2-43452012-CGGAGGCCGA-C.
Identifiers: ClinVar variation 1802638 (VCV001802638.5), dbSNP rs150534134, ClinGen allele CA1631421.